The following is an entry in ClinVar:

ClinVar aggregate classification (germline): Uncertain significance (1 of 4 stars; one submission).

Allele frequency attached by ClinVar (database versions not stated): gnomAD exomes 0.00001.
gnomAD v4.1: 7 of 1,209,109 alleles (0.00058%); highest among the groups gnomAD compares: Non-Finnish European, 0.00078%; no homozygotes.

Submission:

GeneDx
Classification: Uncertain significance. Last evaluated: 2025-07-23. Review status: criteria provided, single submitter. Criteria: GeneDx Variant Classification Process June 2021. Collection method: clinical testing. Allele origin: germline.
Comment: Not observed at significant frequency in large population cohorts (gnomAD); In silico analysis supports that this missense variant does not alter protein structure/function; Has not been previously published as pathogenic or benign to our knowledge

NM_004114.5(FGF13):c.720C>A (p.Ser240Arg)

Gene: FGF13 (fibroblast growth factor 13; minus strand). Cytogenetic location: Xq26.3.
Variant type: single nucleotide variant.
Coding change: c.720C>A on transcript NM_004114.5 (MANE Select); coding-DNA position 720, C replaced by A.
Protein change: p.Ser240Arg; replaces serine 240 with arginine.
Molecular consequence: missense variant.
Genome position (GRCh38, 1-based): chrX:138,632,868, G>T on the plus strand (C>A on the coding strand, the complement: FGF13 is on the minus strand). VCF-style: chrX-138632868-G-T. GRCh37 (hg19) VCF-style: chrX-137715029-G-T.
Other names: c.582C>A, p.Ser194Arg (NM_001139498.2); c.750C>A, p.Ser250Arg (NM_001139500.2); c.663C>A, p.Ser221Arg (NM_001139501.2, NM_001139502.2); c.561C>A, p.Ser187Arg (NM_033642.3); short protein forms S187R, S194R, S221R, S240R, S250R.
Identifiers: ClinVar variation 1804273 (VCV001804273.2), dbSNP rs2520478139, ClinGen allele CA414461717.